The following is an entry in ClinVar:

ClinVar aggregate classification (germline): Uncertain significance (1 of 4 stars; one submission).

Conditions:
Hereditary cancer-predisposing syndrome. Also called: Neoplastic Syndromes, Hereditary; Tumor predisposition; Hereditary Cancer Syndrome; Hereditary neoplastic syndrome. Identifiers: Orphanet 140162, MedGen C0027672, MeSH D009386, MONDO:0015356.

Submission:

Ambry Genetics
Classification: Uncertain significance for Hereditary cancer-predisposing syndrome. Last evaluated: 2016-01-05. Review status: criteria provided, single submitter. Criteria: Ambry Variant Classification Scheme 2023. Collection method: clinical testing. Allele origin: germline.
Comment: The p.E13D variant (also known as c.39A>C), located in coding exon 1 of the BRCA2 gene, results from an A to C substitution at nucleotide position 39. The glutamic acid at codon 13 is replaced by aspartic acid, an amino acid with highly similar properties. This variant was not reported in population based cohorts in the following databases: Database of Single Nucleotide Polymorphisms (dbSNP), NHLBI Exome Sequencing Project (ESP), and 1000 Genomes Project. In the ESP, this variant was not observed in 6503 samples (13006 alleles) with coverage at this position. To date, this alteration has been detected with an allele frequency of approximately 0.0004% (greater than 225000 alleles tested) in our clinical cohort. This amino acid position is not well conserved in available vertebrate species. In addition, this alteration is predicted to be tolerated by in silico analysis. Since supporting evidence is limited at this time, the clinical significance of p.E13D remains unclear.

NM_000059.4(BRCA2):c.39A>C (p.Glu13Asp)

Gene: BRCA2 (BRCA2 DNA repair associated; plus strand). Cytogenetic location: 13q13.1.
Variant type: single nucleotide variant.
Coding change: c.39A>C on transcript NM_000059.4 (MANE Select); coding-DNA position 39, A replaced by C.
Protein change: p.Glu13Asp; replaces glutamic acid 13 with aspartic acid.
Molecular consequence: missense variant.
Genome position (GRCh38, 1-based): chr13:32,316,499, A>C. VCF-style: chr13-32316499-A-C. GRCh37 (hg19) VCF-style: chr13-32890636-A-C.
Other names: short protein forms E13D.
Identifiers: ClinVar variation 485409 (VCV000485409.5), dbSNP rs1555280111, ClinGen allele CA387753023.